The following is an entry in ClinVar:

NM_004168.4(SDHA):c.63+18_63+38dup

Gene: SDHA (succinate dehydrogenase complex flavoprotein subunit A; plus strand). Cytogenetic location: 5p15.33.
Variant type: Duplication.
Coding change: c.63+18_63+38dup on transcript NM_004168.4 (MANE Select); bases 18 to 38 of the intron after coding-DNA position 63, 21 bases duplicated (ACCGGGGCGGGGCAGGCGGGG).
Molecular consequence: intron variant.
Genome position (GRCh38, 1-based): chr5:218,436-218,456, ACCGGGGCGGGGCAGGCGGGG duplicated; duplicating any 21 consecutive bases within chr5:218,434-218,456 gives the same sequence; the c. name uses the placement nearest the transcript's 3' end. VCF-style (leftmost placement, unchanged base first): chr5-218433-C-CGGACCGGGGCGGGGCAGGCGG. GRCh37 (hg19) VCF-style: chr5-218548-C-CGGACCGGGGCGGGGCAGGCGG.
Other names: c.63+18_63+38dup (NM_001330758.2, NM_001294332.2).
Identifiers: ClinVar variation 4786458 (VCV004786458.1).

ClinVar aggregate classification (germline): Uncertain significance (1 of 4 stars; one submission).

Conditions:
Mitochondrial complex II deficiency, nuclear type 1. Also called: SUCCINATE CoQ REDUCTASE DEFICIENCY. Identifiers: Orphanet 3208, MedGen C5700310, MONDO:0100294, OMIM 252011.
Pheochromocytoma/paraganglioma syndrome 5. Also called: Paragangliomas 5; SDHA-Related Hereditary Paraganglioma-Pheochromocytoma Syndrome. Identifiers: Orphanet 29072, MedGen C3279992, MONDO:0013602, OMIM 614165.

Submission:

Labcorp Genetics (formerly Invitae), Labcorp
Classification: Uncertain significance for Pheochromocytoma/paraganglioma syndrome 5; Mitochondrial complex II deficiency, nuclear type 1. Last evaluated: 2025-10-18. Review status: criteria provided, single submitter. Criteria: Invitae Variant Classification Sherloc (09022015). Collection method: clinical testing. Allele origin: germline.
Comment: This sequence change falls in intron 1 of the SDHA gene. It does not directly change the encoded amino acid sequence of the SDHA protein. This variant is not present in population databases (gnomAD no frequency). This variant has not been reported in the literature in individuals affected with SDHA-related conditions. RNA analysis provides insufficient evidence to determine the effect of this variant on SDHA splicing (internal data). In summary, the available evidence is currently insufficient to determine the role of this variant in disease. Therefore, it has been classified as a Variant of Uncertain Significance.